The following is an entry in ClinVar:

NM_020461.4(TUBGCP6):c.2680C>G (p.Leu894Val)

Gene: TUBGCP6 (tubulin gamma complex component 6; minus strand). Cytogenetic location: 22q13.33.
Variant type: single nucleotide variant.
Coding change: c.2680C>G on transcript NM_020461.4 (MANE Select); coding-DNA position 2680, C replaced by G.
Protein change: p.Leu894Val; replaces leucine 894 with valine.
Molecular consequence: missense variant.
Genome position (GRCh38, 1-based): chr22:50,221,679, G>C on the plus strand (C>G on the coding strand, the complement: TUBGCP6 is on the minus strand). VCF-style: chr22-50221679-G-C. GRCh37 (hg19) VCF-style: chr22-50660108-G-C.
Other names: short protein forms L894V.
Identifiers: ClinVar variation 1519140 (VCV001519140.8), dbSNP rs2147180503, ClinGen allele CA412096680.
Genomic context (GRCh38, chr22:50,221,679, plus strand): 5'-TGCCAGTCTGCACGGACGGCTCAGCCCCTGGGCCCACAGGTAGGAAGTCTCCAATGCTGA[G>C]GCTGTCAGAGAAGGGTCTGGCCCCCTCCGCCTGCTGCAGCCCCCTGCCACCAGCCCCCAC-3'
Protein context (NP_065194.3, residues 884-904): AEGARPFSDS[Leu894Val]SIGDFLPVGP

ClinVar aggregate classification (germline): Uncertain significance (1 of 4 stars; one submission).

Allele frequency attached by ClinVar (database versions not stated): gnomAD exomes 0.00001.
gnomAD v4.1: 7 of 1,517,704 alleles (0.00046%); highest among the groups gnomAD compares: Non-Finnish European, 0.00062%; no homozygotes.

Submission:

Labcorp Genetics (formerly Invitae), Labcorp
Classification: Uncertain significance. Last evaluated: 2021-03-24. Review status: criteria provided, single submitter. Criteria: Invitae Variant Classification Sherloc (09022015). Collection method: clinical testing. Allele origin: germline.
Comment: This sequence change replaces leucine with valine at codon 894 of the TUBGCP6 protein (p.Leu894Val). The leucine residue is weakly conserved and there is a small physicochemical difference between leucine and valine. This variant is not present in population databases (ExAC no frequency). This variant has not been reported in the literature in individuals with TUBGCP6-related conditions. Algorithms developed to predict the effect of missense changes on protein structure and function output the following: SIFT: "Tolerated"; PolyPhen-2: "Benign"; Align-GVGD: "Class C0". The valine amino acid residue is found in multiple mammalian species, suggesting that this missense change does not adversely affect protein function. These predictions have not been confirmed by published functional studies and their clinical significance is uncertain. In summary, the available evidence is currently insufficient to determine the role of this variant in disease. Therefore, it has been classified as a Variant of Uncertain Significance.